The following is an entry in ClinVar:

ClinVar aggregate classification (germline): Uncertain significance. Review status: criteria provided, multiple submitters, no conflicts (2 of 4 stars). 2 submissions from 2 submitters: Uncertain significance (2). Last evaluated 2025-10-23.

Allele frequency attached by ClinVar (database versions not stated): TOPMed 0.00002; gnomAD exomes 0.00001.
gnomAD v4.1: 6 of 1,613,482 alleles (0.00037%); highest among the groups gnomAD compares: Non-Finnish European, 0.00051%; no homozygotes.

Submissions (2):

GeneDx
Classification: Uncertain significance. Last evaluated: 2025-10-23. Review status: criteria provided, single submitter. Criteria: GeneDx Variant Classification Process June 2021. Collection method: clinical testing. Allele origin: germline. Affected: yes.
Comment: Not observed at significant frequency in large population cohorts (gnomAD); In silico analysis supports that this missense variant has a deleterious effect on protein structure/function; This variant is associated with the following publications: (PMID: 33724713)

Breakthrough Genomics
Classification: Uncertain significance. Review status: criteria provided, single submitter. Criteria: ACMG Guidelines, 2015. Collection method: not provided. Allele origin: germline. Inheritance: Autosomal recessive inheritance. Affected: yes.

NM_004086.3(COCH):c.847G>A (p.Glu283Lys)

Genes: COCH (cochlin; plus strand), COCH-AS1 (COCH antisense RNA 1; minus strand). Cytogenetic location: 14q12.
Variant type: single nucleotide variant.
Coding change: c.847G>A on transcript NM_004086.3 (MANE Select); coding-DNA position 847, G replaced by A.
Protein change: p.Glu283Lys; replaces glutamic acid 283 with lysine.
Molecular consequence: missense variant. On other transcripts: non-coding transcript variant (1).
Genome position (GRCh38, 1-based): chr14:30,885,507, G>A. VCF-style: chr14-30885507-G-A. GRCh37 (hg19) VCF-style: chr14-31354713-G-A.
Other names: c.847G>A, p.Glu283Lys (NM_001135058.2); c.1042G>A, p.Glu348Lys (NM_001347720.2); short protein forms E283K, E348K.
Identifiers: ClinVar variation 1307798 (VCV001307798.4), dbSNP rs1224796113, ClinGen allele CA389347701.